The following is an entry in ClinVar:

ClinVar aggregate classification (germline): Benign/Likely benign. Review status: criteria provided, multiple submitters, no conflicts (2 of 4 stars). 7 submissions from 7 submitters: Benign (2); Likely benign (5). Last evaluated 2026-03-27.

Conditions:
Long QT syndrome (LQTS). Identifiers: MedGen C0023976, MeSH D008133, MONDO:0002442. Disease mechanism: loss of function. Inheritance: Various modes of inheritance.
Cardiovascular phenotype. Identifiers: MedGen CN230736.

Allele frequency attached by ClinVar (database versions not stated): gnomAD 0.00001 and 0.00003; TOPMed 0.00003; gnomAD exomes 0.00007 and 0.00008; ExAC 0.00017; 1000 Genomes Project 30x 0.00031; 1000 Genomes Project 0.00040.
gnomAD v4.1: 107 of 1,575,198 alleles (0.0068%); highest among the groups gnomAD compares: Middle Eastern, 0.05%; no homozygotes.

Submissions (7):

Molecular Diagnostic Laboratory for Inherited Cardiovascular Disease, Montreal Heart Institute
Classification: Likely benign. Last evaluated: 2026-03-27. Review status: criteria provided, single submitter. Criteria: ACMG Guidelines, 2015. Collection method: clinical testing. Allele origin: germline. Affected: no.
Comment: BS1;BP7

Labcorp Genetics (formerly Invitae), Labcorp
Classification: Likely benign for Long QT syndrome. Last evaluated: 2025-12-29. Review status: criteria provided, single submitter. Criteria: Invitae Variant Classification Sherloc (09022015). Collection method: clinical testing. Allele origin: germline.

CeGaT Center for Human Genetics Tuebingen
Classification: Likely benign. Last evaluated: 2025-11-01. Review status: criteria provided, single submitter. Criteria: CeGaT Center For Human Genetics Tuebingen Variant Classification Criteria Version 2. Collection method: clinical testing. Allele origin: germline. Affected: yes. Observed: 1 variant allele.
Comment: CACNA1C: BP4, BP7

Blueprint Genetics
Classification: Likely benign. Last evaluated: 2024-08-30. Review status: criteria provided, single submitter. Criteria: ACMG Guidelines, 2015. Collection method: clinical testing. Allele origin: germline.

Women's Health and Genetics/Laboratory Corporation of America, LabCorp
Classification: Benign. Last evaluated: 2022-10-30. Review status: criteria provided, single submitter. Criteria: LabCorp Variant Classification Summary - May 2015. Collection method: clinical testing. Allele origin: germline.

Ambry Genetics
Classification: Likely benign for Cardiovascular phenotype. Last evaluated: 2022-07-10. Review status: criteria provided, single submitter. Criteria: Ambry Variant Classification Scheme 2023. Collection method: clinical testing. Allele origin: germline.

GeneDx
Classification: Benign. Last evaluated: 2015-09-21. Review status: criteria provided, single submitter. Criteria: GeneDx Variant Classification (06012015). Collection method: clinical testing. Allele origin: germline. Affected: yes.
Comment: This variant is considered likely benign or benign based on one or more of the following criteria: it is a conservative change, it occurs at a poorly conserved position in the protein, it is predicted to be benign by multiple in silico algorithms, and/or has population frequency not consistent with disease.

NM_000719.7(CACNA1C):c.579C>T (p.Asn193=)

Gene: CACNA1C (calcium voltage-gated channel subunit alpha1 C; plus strand). Cytogenetic location: 12p13.33.
Variant type: single nucleotide variant.
Coding change: c.579C>T on transcript NM_000719.7 (MANE Select); coding-DNA position 579, C replaced by T.
Protein change: p.Asn193=; no amino-acid change (asparagine 193 retained).
Molecular consequence: synonymous variant.
Genome position (GRCh38, 1-based): chr12:2,449,077, C>T. VCF-style: chr12-2449077-C-T. GRCh37 (hg19) VCF-style: chr12-2558243-C-T.
Other names: c.579C>T (NM_199460.3); c.579C>T, p.Asn193= (NM_001129827.2, NM_001129829.2, NM_001129830.3 and 19 more transcripts).
Identifiers: ClinVar variation 308130 (VCV000308130.24), dbSNP rs561224137, ClinGen allele CA6388479.